The following is an entry in ClinVar:

NM_002241.5(KCNJ10):c.857C>A (p.Thr286Lys)

Gene: KCNJ10 (potassium inwardly rectifying channel subfamily J member 10; minus strand). Cytogenetic location: 1q23.2.
Variant type: single nucleotide variant.
Coding change: c.857C>A on transcript NM_002241.5 (MANE Select); coding-DNA position 857, C replaced by A.
Protein change: p.Thr286Lys; replaces threonine 286 with lysine.
Molecular consequence: missense variant.
Genome position (GRCh38, 1-based): chr1:160,041,676, G>T on the plus strand (C>A on the coding strand, the complement: KCNJ10 is on the minus strand). VCF-style: chr1-160041676-G-T. GRCh37 (hg19) VCF-style: chr1-160011466-G-T.
Other names: short protein forms T286K.
Identifiers: ClinVar variation 3671513 (VCV003671513.2).

ClinVar aggregate classification (germline): Uncertain significance (1 of 4 stars; one submission).

Conditions:
EAST syndrome (SESAMES). Also called: SEIZURES, SENSORINEURAL DEAFNESS, ATAXIA, IMPAIRED INTELLECTUAL DEVELOPMENT, AND ELECTROLYTE IMBALANCE. Identifiers: Orphanet 199343, MedGen C2748572, MONDO:0013005, OMIM 612780.

gnomAD v4.1: 6 of 1,614,090 alleles (0.00037%); highest among the groups gnomAD compares: Non-Finnish European, 0.00051%; no homozygotes.

Submission:

Labcorp Genetics (formerly Invitae), Labcorp
Classification: Uncertain significance for EAST syndrome. Last evaluated: 2024-11-16. Review status: criteria provided, single submitter. Criteria: Invitae Variant Classification Sherloc (09022015). Collection method: clinical testing. Allele origin: germline.
Comment: This sequence change replaces threonine, which is neutral and polar, with lysine, which is basic and polar, at codon 286 of the KCNJ10 protein (p.Thr286Lys). This variant is present in population databases (rs757920393, gnomAD 0.003%). This variant has not been reported in the literature in individuals affected with KCNJ10-related conditions. Invitae Evidence Modeling of protein sequence and biophysical properties (such as structural, functional, and spatial information, amino acid conservation, physicochemical variation, residue mobility, and thermodynamic stability) has been performed for this missense variant. However, the output from this modeling did not meet the statistical confidence thresholds required to predict the impact of this variant on KCNJ10 protein function. In summary, the available evidence is currently insufficient to determine the role of this variant in disease. Therefore, it has been classified as a Variant of Uncertain Significance.